The following is an entry in ClinVar:

NM_015102.5(NPHP4):c.297A>G (p.Thr99=)

Gene: NPHP4 (nephrocystin 4; minus strand). Cytogenetic location: 1p36.31.
Variant type: single nucleotide variant.
Coding change: c.297A>G on transcript NM_015102.5 (MANE Select); coding-DNA position 297, A replaced by G.
Protein change: p.Thr99=; no amino-acid change (threonine 99 retained).
Molecular consequence: synonymous variant. On other transcripts: 5 prime UTR variant (2), non-coding transcript variant (1).
Genome position (GRCh38, 1-based): chr1:5,969,242, T>C on the plus strand (A>G on the coding strand, the complement: NPHP4 is on the minus strand). VCF-style: chr1-5969242-T-C. GRCh37 (hg19) VCF-style: chr1-6029302-T-C.
Other names: c.-933A>G (NM_001291593.2); c.-1070A>G (NM_001291594.2); c.297A>G (NM_015102.4).
Identifiers: ClinVar variation 3626659 (VCV003626659.3).

ClinVar aggregate classification (germline): Likely benign. Review status: criteria provided, multiple submitters, no conflicts (2 of 4 stars). 2 submissions from 2 submitters: Likely benign (2). Last evaluated 2025-02-21.

Conditions:
Nephronophthisis. Also called: Juvenile Nephronophthisis. Identifiers: Orphanet 655, MedGen C0687120, MONDO:0019005, HP:0000090.
NPHP4-related disorder. Also called: NPHP4-related condition; NPHP4-related disorders. Identifiers: MedGen CN239384.

gnomAD v4.1: 6 of 1,563,846 alleles (0.00038%); highest among the groups gnomAD compares: Non-Finnish European, 0.00052%; no homozygotes.

Submissions (2):

PreventionGenetics, part of Exact Sciences
Classification: Likely benign for NPHP4-related condition. Last evaluated: 2025-02-21. Review status: criteria provided, single submitter. Criteria: ACMG Guidelines, 2015. Collection method: clinical testing. Allele origin: germline.
Comment: This variant is classified as likely benign based on ACMG/AMP sequence variant interpretation guidelines (Richards et al. 2015 PMID: 25741868, with internal and published modifications).

Labcorp Genetics (formerly Invitae), Labcorp
Classification: Likely benign for Nephronophthisis. Last evaluated: 2024-06-20. Review status: criteria provided, single submitter. Criteria: Invitae Variant Classification Sherloc (09022015). Collection method: clinical testing. Allele origin: germline.